The following is an entry in ClinVar:

ClinVar aggregate classification (germline): Uncertain significance (1 of 4 stars; one submission).

gnomAD v4.1: 1 of 1,209,820 alleles (0.000083%); highest among the groups gnomAD compares: African/African-American, 0.0017%; no homozygotes.

Submission:

GeneDx
Classification: Uncertain significance. Last evaluated: 2023-10-31. Review status: criteria provided, single submitter. Criteria: GeneDx Variant Classification Process June 2021. Collection method: clinical testing. Allele origin: germline. Affected: yes.
Comment: Variants in candidate genes are classified as variants of uncertain significance in accordance with ACMG guidelines (PMID: 25741868); Nonsense variant predicted to result in protein truncation as the last 272 amino acids are lost, although loss-of-function variants have not been reported downstream of this position in the protein; Not observed at significant frequency in large population cohorts (gnomAD); Has not been previously published as pathogenic or benign to our knowledge

NM_182699.4(DDX53):c.1078C>T (p.Gln360Ter)

Genes: DDX53 (DEAD-box helicase 53; plus strand), PTCHD1-AS (PTCHD1 antisense RNA (head to head); minus strand). Cytogenetic location: Xp22.11.
Variant type: single nucleotide variant.
Coding change: c.1078C>T on transcript NM_182699.4 (MANE Select); coding-DNA position 1078, C replaced by T.
Protein change: p.Gln360Ter; replaces glutamine 360 with a stop codon.
Molecular consequence: nonsense.
Genome position (GRCh38, 1-based): chrX:23,001,135, C>T. VCF-style: chrX-23001135-C-T. GRCh37 (hg19) VCF-style: chrX-23019252-C-T.
Other names: short protein forms Q360*.
Identifiers: ClinVar variation 3573574 (VCV003573574.1).